The following is an entry in ClinVar:

NM_001127222.2(CACNA1A):c.2795A>C (p.His932Pro)

Gene: CACNA1A (calcium voltage-gated channel subunit alpha1 A; minus strand). Cytogenetic location: 19p13.13.
Variant type: single nucleotide variant.
Coding change: c.2795A>C on transcript NM_001127222.2 (MANE Select); coding-DNA position 2795, A replaced by C.
Protein change: p.His932Pro; replaces histidine 932 with proline.
Molecular consequence: missense variant.
Genome position (GRCh38, 1-based): chr19:13,298,838, T>G on the plus strand (A>C on the coding strand, the complement: CACNA1A is on the minus strand). VCF-style: chr19-13298838-T-G. GRCh37 (hg19) VCF-style: chr19-13409652-T-G.
Other names: c.2807A>C, p.His936Pro (NM_000068.4, NM_023035.3); c.2798A>C, p.His933Pro (NM_001127221.2, NM_001174080.2); short protein forms H933P, H936P, H932P.
Identifiers: ClinVar variation 5009469 (VCV005009469.1).

ClinVar aggregate classification (germline): Uncertain significance (1 of 4 stars; one submission).

Submission:

GeneDx
Classification: Uncertain significance. Last evaluated: 2026-03-18. Review status: criteria provided, single submitter. Criteria: GeneDx Variant Classification Process June 2021. Collection method: clinical testing. Allele origin: germline.
Comment: Not observed at significant frequency in large population cohorts (gnomAD); In silico analysis supports that this missense variant has a deleterious effect on protein structure/function; Has not been previously published as pathogenic or benign to our knowledge